The following is an entry in ClinVar:

NM_016103.4(SAR1B):c.130A>C (p.Met44Leu)

Gene: SAR1B (secretion associated Ras related GTPase 1B; minus strand). Cytogenetic location: 5q31.1.
Variant type: single nucleotide variant.
Coding change: c.130A>C on transcript NM_016103.4 (MANE Select); coding-DNA position 130, A replaced by C.
Protein change: p.Met44Leu; replaces methionine 44 with leucine.
Molecular consequence: missense variant.
Genome position (GRCh38, 1-based): chr5:134,620,981, T>G on the plus strand (A>C on the coding strand, the complement: SAR1B is on the minus strand). VCF-style: chr5-134620981-T-G. GRCh37 (hg19) VCF-style: chr5-133956671-T-G.
Other names: c.130A>C, p.Met44Leu (NM_001033503.3); short protein forms M44L.
Identifiers: ClinVar variation 1913874 (VCV001913874.3), dbSNP rs146601760, ClinGen allele CA3414554.
Genomic context (GRCh38, chr5:134,620,981, plus strand): 5'-GAATATACTTACTGGGATGTAATGTTGGGACATGTTGTCCAAGTCTGTCATCTTTTAGCA[T>G]GTGTAGCAATGTTGTTTTTCCTGCATTATCCAATCCAAGAAATACCAGTTTACCAGTTTT-3'
Protein context (NP_057187.1, residues 34-54): DNAGKTTLLH[Met44Leu]LKDDRLGQHV

ClinVar aggregate classification (germline): Uncertain significance. Review status: criteria provided, multiple submitters, no conflicts (2 of 4 stars). 2 submissions from 2 submitters: Uncertain significance (2). Last evaluated 2022-12-21.

Conditions:
Inborn genetic diseases. Identifiers: MedGen C0950123, MeSH D030342.

Allele frequency attached by ClinVar (database versions not stated): ExAC 0.00001; gnomAD 0.00001; gnomAD exomes 0.00001; TOPMed 0.00003; ESP Exome Variant Server 0.00008.
gnomAD v4.1: 11 of 1,613,320 alleles (0.00068%); highest among the groups gnomAD compares: Admixed American, 0.005%; no homozygotes.

Submissions (2):

Ambry Genetics
Classification: Uncertain significance for Inborn genetic diseases. Last evaluated: 2022-12-21. Review status: criteria provided, single submitter. Criteria: Ambry Variant Classification Scheme 2023. Collection method: clinical testing. Allele origin: germline.

Labcorp Genetics (formerly Invitae), Labcorp
Classification: Uncertain significance. Last evaluated: 2022-08-20. Review status: criteria provided, single submitter. Criteria: Invitae Variant Classification Sherloc (09022015). Collection method: clinical testing. Allele origin: germline.
Comment: This sequence change replaces methionine, which is neutral and non-polar, with leucine, which is neutral and non-polar, at codon 44 of the SAR1B protein (p.Met44Leu). This variant is present in population databases (rs146601760, gnomAD 0.0009%). This variant has not been reported in the literature in individuals affected with SAR1B-related conditions. Algorithms developed to predict the effect of missense changes on protein structure and function (SIFT, PolyPhen-2, Align-GVGD) all suggest that this variant is likely to be tolerated. In summary, the available evidence is currently insufficient to determine the role of this variant in disease. Therefore, it has been classified as a Variant of Uncertain Significance.